The following is an entry in ClinVar:

ClinVar aggregate classification (germline): Likely pathogenic. Review status: criteria provided, multiple submitters, no conflicts (2 of 4 stars). 2 submissions from 2 submitters: Likely pathogenic (2). Last evaluated 2026-06-11.

Conditions:
PYGL-related disorder. Also called: PYGL-related condition.
Glycogen storage disease, type VI (GSD6). Also called: Glycogen storage disease type 6, due to phosphorylation; GSD VI; Glycogen storage disease type 6; Hepatic glycogen phosphorylase deficiency; HERS DISEASE; PHOSPHORYLASE DEFICIENCY GLYCOGEN-STORAGE DISEASE OF LIVER. Identifiers: Orphanet 369, MedGen C0017925, MONDO:0009294, OMIM 232700.

Submissions (2):

PreventionGenetics, part of Exact Sciences
Classification: Likely pathogenic for PYGL-related condition. Last evaluated: 2026-06-11. Review status: criteria provided, single submitter. Criteria: ACMG Guidelines, 2015. Collection method: clinical testing. Allele origin: germline.
Comment: The PYGL c.1902_1914dup13 variant is predicted to result in a frameshift and premature protein termination (p.Ser639Profs*21). To our knowledge, this variant has not been reported in the literature or in a large population database (gnomAD), indicating this variant is rare. Frameshift variants in PYGL are expected to be pathogenic. This variant is interpreted as likely pathogenic.

Genomic Medicine Center of Excellence, King Faisal Specialist Hospital and Research Centre
Classification: Likely pathogenic for Glycogen storage disease, type VI. Last evaluated: 2024-03-26. Review status: criteria provided, single submitter. Criteria: ACMG Guidelines, 2015. Collection method: clinical testing. Allele origin: germline.

NM_002863.5(PYGL):c.1902_1914dup (p.Ser639fs)

Gene: PYGL (glycogen phosphorylase L; minus strand). Cytogenetic location: 14q22.1.
Variant type: Duplication.
Coding change: c.1902_1914dup on transcript NM_002863.5 (MANE Select); coding-DNA positions 1902 to 1914, 13 bases duplicated (CCCTATGGTTGGA).
Protein change: p.Ser639fs; shifts the reading frame from serine 639.
Molecular consequence: frameshift variant.
Genome position (GRCh38, 1-based): chr14:50,911,785-50,911,797, TCCAACCATAGGG duplicated on the plus strand (CCCTATGGTTGGA on the coding strand, the reverse complement: PYGL is on the minus strand); duplicating any 13 consecutive bases within chr14:50,911,785-50,911,799 gives the same sequence; the c. name uses the placement nearest the transcript's 3' end. VCF-style (leftmost placement, unchanged base first): chr14-50911784-T-TTCCAACCATAGGG. GRCh37 (hg19) VCF-style: chr14-51378502-T-TTCCAACCATAGGG.
Other names: c.1902_1914dup13 (NM_002863.4); c.1800_1812dup, p.Ser605fs (NM_001163940.2); short protein forms S605fs, S639fs.
Identifiers: ClinVar variation 3065459 (VCV003065459.2), dbSNP rs2503489913, ClinGen allele CA2740097930.